The following is an entry in ClinVar:

ClinVar aggregate classification (germline): Uncertain significance (1 of 4 stars; one submission).

gnomAD v4.1: 5 of 1,612,932 alleles (0.00031%); highest among the groups gnomAD compares: Non-Finnish European, 0.00042%; no homozygotes.

Submission:

Laboratory for Molecular Medicine, Mass General Brigham Personalized Medicine
Classification: Uncertain significance. Last evaluated: 2018-11-20. Review status: criteria provided, single submitter. Criteria: LMM Criteria. Collection method: clinical testing. Allele origin: germline. Observed: 1 variant allele.
Comment: The p.Met386Thr variant in CCDC50 has not been previously reported in individual s with hearing loss, but has been identified in 0.0018% (2/113166) of European c hromosomes by gnomAD. Computational predictio n tools and conservation analyses suggest that this variant may impact the prote in, though this information is not predictive enough to determine pathogenicity. In summary, the clinical significance of the p.Met386Thr variant is uncertain. ACMG/AMP Criteria applied: PP3; PM2.

NM_178335.3(CCDC50):c.1157T>C (p.Met386Thr)

Gene: CCDC50 (coiled-coil domain containing 50; plus strand). Cytogenetic location: 3q28.
Variant type: single nucleotide variant.
Coding change: c.1157T>C on transcript NM_178335.3 (MANE Select); coding-DNA position 1157, T replaced by C.
Protein change: p.Met386Thr; replaces methionine 386 with threonine.
Molecular consequence: missense variant.
Genome position (GRCh38, 1-based): chr3:191,380,847, T>C. VCF-style: chr3-191380847-T-C. GRCh37 (hg19) VCF-style: chr3-191098636-T-C.
Other names: c.629T>C, p.Met210Thr (NM_174908.4); short protein forms M210T, M386T.
Identifiers: ClinVar variation 666800 (VCV000666800.4), dbSNP rs775687066, ClinGen allele CA2755475.